The following is an entry in ClinVar:

NM_001395513.1(TMPRSS9):c.662C>T (p.Ala221Val)

Gene: TMPRSS9 (transmembrane serine protease 9; plus strand). Cytogenetic location: 19p13.3.
Variant type: single nucleotide variant.
Coding change: c.662C>T on transcript NM_001395513.1 (MANE Select); coding-DNA position 662, C replaced by T.
Protein change: p.Ala221Val; replaces alanine 221 with valine.
Molecular consequence: missense variant. On other transcripts: 5 prime UTR variant (1).
Genome position (GRCh38, 1-based): chr19:2,403,187, C>T. VCF-style: chr19-2403187-C-T. GRCh37 (hg19) VCF-style: chr19-2403185-C-T.
Other names: c.-35C>T (NM_001385642.1); c.560C>T, p.Ala187Val (NM_182973.3); short protein forms A187V, A221V.
Identifiers: ClinVar variation 2648971 (VCV002648971.24), dbSNP rs150598683, ClinGen allele CA9065960.

ClinVar aggregate classification (germline): Uncertain significance (1 of 4 stars; one submission).

Allele frequency attached by ClinVar (database versions not stated): 1000 Genomes Project 0.00020; gnomAD 0.00095; 1000 Genomes Project 30x 0.00016; TOPMed 0.00097; gnomAD exomes 0.00117; ExAC 0.00121; ESP Exome Variant Server 0.00123.
gnomAD v4.1: 1,866 of 1,606,606 alleles (0.12%); highest among the groups gnomAD compares: Middle Eastern, 0.37%; 2 homozygotes.

Submission:

CeGaT Center for Human Genetics Tuebingen
Classification: Uncertain significance. Last evaluated: 2023-09-01. Review status: criteria provided, single submitter. Criteria: CeGaT Center For Human Genetics Tuebingen Variant Classification Criteria Version 2. Collection method: clinical testing. Allele origin: germline. Affected: yes. Observed: 1 variant allele.
Comment: TMPRSS9: PP3